The following is an entry in ClinVar:

ClinVar aggregate classification (germline): Uncertain significance. Review status: criteria provided, single submitter (1 of 4 stars). 2 submissions from 2 submitters: Uncertain significance (1). 1 of the submissions does not count toward it. Last evaluated 2025-03-22.

Allele frequency attached by ClinVar (database versions not stated): gnomAD exomes 0.00004 and 0.00002; 1000 Genomes Project 0.00020; 1000 Genomes Project 30x 0.00031; ExAC 0.00002; gnomAD 0.00002 and 0.00003; TOPMed 0.00002.
gnomAD v4.1: 62 of 1,613,988 alleles (0.0038%); highest among the groups gnomAD compares: African/African-American, 0.0053%; no homozygotes.

Submissions (2):

Ambry Genetics
Classification: Uncertain significance. Last evaluated: 2025-03-22. Review status: criteria provided, single submitter. Criteria: Ambry Variant Classification Scheme 2023. Collection method: clinical testing. Allele origin: germline.

ITMI
No classification provided. Condition: AllHighlyPenetrant. Last evaluated: 2013-09-19. Review status: no classification provided. Collection method: reference population. Allele origin: germline. Not counted in ClinVar's aggregate classification.
Comment: Please see associated publication for description of ethnicities

Literature cited by the submitters: PubMed 24728327 (cited by ITMI).

NM_170662.5(CBLB):c.2881G>A (p.Glu961Lys)

Gene: CBLB (Cbl proto-oncogene B; minus strand). Cytogenetic location: 3q13.11.
Variant type: single nucleotide variant.
Coding change: c.2881G>A on transcript NM_170662.5 (MANE Select); coding-DNA position 2881, G replaced by A.
Protein change: p.Glu961Lys; replaces glutamic acid 961 with lysine.
Molecular consequence: missense variant. On other transcripts: non-coding transcript variant (7).
Genome position (GRCh38, 1-based): chr3:105,659,038, C>T on the plus strand (G>A on the coding strand, the complement: CBLB is on the minus strand). VCF-style: chr3-105659038-C-T. GRCh37 (hg19) VCF-style: chr3-105377882-C-T.
Other names: c.2965G>A, p.Glu989Lys (NM_001321786.1); c.2881G>A, p.Glu961Lys (NM_001321788.2); c.2818G>A, p.Glu940Lys (NM_001321789.1); c.2815G>A, p.Glu939Lys (NM_001321790.2); c.2749G>A, p.Glu917Lys (NM_001321791.2, NM_001321793.2); c.2734G>A, p.Glu912Lys (NM_001321794.2, NM_001321795.2, NM_001321796.2); c.2602G>A, p.Glu868Lys (NM_001321797.2, NM_001321798.2, NM_001321799.2); c.2101G>A, p.Glu701Lys (NM_001321806.2, NM_001321807.2); and 6 more; short protein forms E961K, E518K, E521K, E608K, E652K, E657K, E701K, E868K.
Identifiers: ClinVar variation 133827 (VCV000133827.2), dbSNP rs561530977, ClinGen allele CA157901.